The following is an entry in ClinVar:

NM_000257.4(MYH7):c.3560_3564del (p.Ala1187fs)

Gene: MYH7 (myosin heavy chain 7; minus strand). Cytogenetic location: 14q11.2.
Variant type: Deletion.
Coding change: c.3560_3564del on transcript NM_000257.4 (MANE Select); coding-DNA positions 3560 to 3564, 5 bases deleted (CCACT; older notation c.3560_3564delCCACT).
Protein change: p.Ala1187fs; shifts the reading frame from alanine 1187.
Molecular consequence: frameshift variant.
Genome position (GRCh38, 1-based): chr14:23,420,007-23,420,011, AGTGG deleted on the plus strand (CCACT on the coding strand, the reverse complement: MYH7 is on the minus strand). VCF-style (leftmost placement, unchanged base first): chr14-23420006-CAGTGG-C. GRCh37 (hg19) VCF-style: chr14-23889215-CAGTGG-C.
Other names: c.3560_3564del, p.Ala1187fs (NM_001407004.1); short protein forms A1187fs.
Identifiers: ClinVar variation 2773913 (VCV002773913.2), dbSNP rs2502264356, ClinGen allele CA2697553862.

ClinVar aggregate classification (germline): Uncertain significance (1 of 4 stars; one submission).

Conditions:
Cardiomyopathy (CMYO). Also called: Cardiomyopathies. Identifiers: Orphanet 167848, MedGen C0878544, MONDO:0004994, HP:0001638. Inheritance: Various modes of inheritance.

Submission:

Color Diagnostics, LLC DBA Color Health
Classification: Uncertain significance for Cardiomyopathy. Last evaluated: 2023-03-28. Review status: criteria provided, single submitter. Criteria: ACMG Guidelines, 2015. Collection method: clinical testing. Allele origin: germline.
Comment: This variant deletes 5 nucleotides in exon 27 of the MYH7 gene, creating a frameshift and premature translation stop signal. This variant is expected to result in an absent or non-functional protein product. To our knowledge, this variant has not been reported in individuals affected with MYH7-related disorders in the literature. This variant has not been identified in the general population by the Genome Aggregation Database (gnomAD). The role of MYH7 truncation variants in autosomal dominant cardiomyopathy is not clearly understood. The available evidence is insufficient to determine the role of this variant in disease conclusively. Therefore, this variant is classified as a Variant of Uncertain Significance.